The following is an entry in ClinVar:

NM_018052.5(VAC14):c.1050G>T (p.Glu350Asp)

Gene: VAC14 (VAC14 component of PIKFYVE complex; minus strand). Cytogenetic location: 16q22.1.
Variant type: single nucleotide variant.
Coding change: c.1050G>T on transcript NM_018052.5 (MANE Select); coding-DNA position 1050, G replaced by T.
Protein change: p.Glu350Asp; replaces glutamic acid 350 with aspartic acid.
Molecular consequence: missense variant.
Genome position (GRCh38, 1-based): chr16:70,780,836, C>A on the plus strand (G>T on the coding strand, the complement: VAC14 is on the minus strand). VCF-style: chr16-70780836-C-A. GRCh37 (hg19) VCF-style: chr16-70814739-C-A.
Other names: c.348G>T, p.Glu116Asp (NM_001351157.2); short protein forms E116D, E350D.
Identifiers: ClinVar variation 4763131 (VCV004763131.1).

ClinVar aggregate classification (germline): Uncertain significance (1 of 4 stars; one submission).

gnomAD v4.1: 12 of 1,612,880 alleles (0.00074%); highest among the groups gnomAD compares: African/African-American, 0.0013%; no homozygotes.

Submission:

Labcorp Genetics (formerly Invitae), Labcorp
Classification: Uncertain significance. Last evaluated: 2025-12-08. Review status: criteria provided, single submitter. Criteria: Invitae Variant Classification Sherloc (09022015). Collection method: clinical testing. Allele origin: germline.
Comment: This sequence change replaces glutamic acid, which is acidic and polar, with aspartic acid, which is acidic and polar, at codon 350 of the VAC14 protein (p.Glu350Asp). This variant is present in population databases (rs371625441, gnomAD 0.003%). This variant has not been reported in the literature in individuals affected with VAC14-related conditions. Invitae Evidence Modeling of protein sequence and biophysical properties (such as structural, functional, and spatial information, amino acid conservation, physicochemical variation, residue mobility, and thermodynamic stability) indicates that this missense variant is not expected to disrupt VAC14 protein function with a negative predictive value of 80%. In summary, the available evidence is currently insufficient to determine the role of this variant in disease. Therefore, it has been classified as a Variant of Uncertain Significance.